The following is an entry in ClinVar:

ClinVar aggregate classification (germline): Uncertain significance (1 of 4 stars; one submission).

Allele frequency attached by ClinVar (database versions not stated): gnomAD exomes 0.00001; gnomAD 0.00001; TOPMed 0.00001.
gnomAD v4.1: 4 of 1,577,228 alleles (0.00025%); highest among the groups gnomAD compares: African/African-American, 0.0014%; no homozygotes.

Submission:

Labcorp Genetics (formerly Invitae), Labcorp
Classification: Uncertain significance. Last evaluated: 2025-06-12. Review status: criteria provided, single submitter. Criteria: Invitae Variant Classification Sherloc (09022015). Collection method: clinical testing. Allele origin: germline.
Comment: This sequence change replaces arginine, which is basic and polar, with glutamine, which is neutral and polar, at codon 89 of the FGF20 protein (p.Arg89Gln). This variant is not present in population databases (gnomAD no frequency). This variant has not been reported in the literature in individuals affected with FGF20-related conditions. ClinVar contains an entry for this variant (Variation ID: 2775846). An algorithm developed to predict the effect of missense changes on protein structure and function (PolyPhen-2) suggests that this variant is likely to be tolerated. In summary, the available evidence is currently insufficient to determine the role of this variant in disease. Therefore, it has been classified as a Variant of Uncertain Significance.

NM_019851.3(FGF20):c.266G>A (p.Arg89Gln)

Gene: FGF20 (fibroblast growth factor 20; minus strand). Cytogenetic location: 8p22.
Variant type: single nucleotide variant.
Coding change: c.266G>A on transcript NM_019851.3 (MANE Select); coding-DNA position 266, G replaced by A.
Protein change: p.Arg89Gln; replaces arginine 89 with glutamine.
Molecular consequence: missense variant.
Genome position (GRCh38, 1-based): chr8:17,001,767, C>T on the plus strand (G>A on the coding strand, the complement: FGF20 is on the minus strand). VCF-style: chr8-17001767-C-T. GRCh37 (hg19) VCF-style: chr8-16859276-C-T.
Other names: short protein forms R89Q.
Identifiers: ClinVar variation 2775846 (VCV002775846.3), dbSNP rs1228175652, ClinGen allele CA370395144.
Genomic context (GRCh38, chr8:17,001,767, plus strand): 5'-GGGGCGCAGATGGGGGTGGGGTCGGGATGCTAGTACGTACCGAAGAGGCTGTGGTCCTGC[C>T]GGGTGCCCTGCACGCTGCCGTCGGGCAGGATCTGCAGGTGGAAGCCGGTGCGGCAATAGA-3'
Protein context (NP_062825.1, residues 79-99): ILPDGSVQGT[Arg89Gln]QDHSLFGILE